The following is an entry in ClinVar:

ClinVar aggregate classification (germline): Uncertain significance (1 of 4 stars; one submission).

Conditions:
Lymphoproliferative syndrome 1 (LPFS1). Identifiers: Orphanet 238505, Orphanet 538963, MedGen C3552634, MONDO:0013081, OMIM 613011.

Allele frequency attached by ClinVar (database versions not stated): gnomAD 0.00001; gnomAD exomes 0.00001; TOPMed 0.00001.
gnomAD v4.1: 10 of 1,613,876 alleles (0.00062%); highest among the groups gnomAD compares: African/African-American, 0.0027%; no homozygotes.

Submission:

Labcorp Genetics (formerly Invitae), Labcorp
Classification: Uncertain significance for Lymphoproliferative syndrome 1. Last evaluated: 2022-07-11. Review status: criteria provided, single submitter. Criteria: Invitae Variant Classification Sherloc (09022015). Collection method: clinical testing. Allele origin: germline.
Comment: This sequence change replaces arginine, which is basic and polar, with glutamine, which is neutral and polar, at codon 99 of the ITK protein (p.Arg99Gln). This variant is not present in population databases (gnomAD no frequency). This variant has not been reported in the literature in individuals affected with ITK-related conditions. ClinVar contains an entry for this variant (Variation ID: 1428561). Advanced modeling of protein sequence and biophysical properties (such as structural, functional, and spatial information, amino acid conservation, physicochemical variation, residue mobility, and thermodynamic stability) performed at Invitae indicates that this missense variant is not expected to disrupt ITK protein function. In summary, the available evidence is currently insufficient to determine the role of this variant in disease. Therefore, it has been classified as a Variant of Uncertain Significance.

NM_005546.4(ITK):c.296G>A (p.Arg99Gln)

Gene: ITK (IL2 inducible T cell kinase; plus strand). Cytogenetic location: 5q33.3.
Variant type: single nucleotide variant.
Coding change: c.296G>A on transcript NM_005546.4 (MANE Select); coding-DNA position 296, G replaced by A.
Protein change: p.Arg99Gln; replaces arginine 99 with glutamine.
Molecular consequence: missense variant.
Genome position (GRCh38, 1-based): chr5:157,211,339, G>A. VCF-style: chr5-157211339-G-A. GRCh37 (hg19) VCF-style: chr5-156638350-G-A.
Other names: short protein forms R99Q.
Identifiers: ClinVar variation 1428561 (VCV001428561.5), dbSNP rs1293136647, ClinGen allele CA361949797.